The following is an entry in ClinVar:

NM_020297.4(ABCC9):c.2901G>A (p.Met967Ile)

Gene: ABCC9 (ATP binding cassette subfamily C member 9; minus strand). Cytogenetic location: 12p12.1.
Variant type: single nucleotide variant.
Coding change: c.2901G>A on transcript NM_020297.4 (MANE Select); coding-DNA position 2901, G replaced by A.
Protein change: p.Met967Ile; replaces methionine 967 with isoleucine.
Molecular consequence: missense variant.
Genome position (GRCh38, 1-based): chr12:21,845,798, C>T on the plus strand (G>A on the coding strand, the complement: ABCC9 is on the minus strand). VCF-style: chr12-21845798-C-T. GRCh37 (hg19) VCF-style: chr12-21998732-C-T.
Other names: c.2901G>A, p.Met967Ile (NM_001377273.1, NM_005691.4); c.2034G>A, p.Met678Ile (NM_001377274.1); short protein forms M967I, M678I.
Identifiers: ClinVar variation 3405086 (VCV003405086.1).

ClinVar aggregate classification (germline): Uncertain significance (1 of 4 stars; one submission).

Conditions:
Cardiovascular phenotype. Identifiers: MedGen CN230736.

Submission:

Ambry Genetics
Classification: Uncertain significance for Cardiovascular phenotype. Last evaluated: 2024-08-29. Review status: criteria provided, single submitter. Criteria: Ambry Variant Classification Scheme 2023. Collection method: clinical testing. Allele origin: germline.
Comment: The p.M967I variant (also known as c.2901G>A), located in coding exon 24 of the ABCC9 gene, results from a G to A substitution at nucleotide position 2901. The methionine at codon 967 is replaced by isoleucine, an amino acid with highly similar properties. This amino acid position is well conserved in available vertebrate species. In addition, the in silico prediction for this alteration is inconclusive. Based on the available evidence, the clinical significance of this variant remains unclear.